The following is an entry in ClinVar:

ClinVar aggregate classification (germline): Likely pathogenic (1 of 4 stars; one submission).

Conditions:
Hypogonadotropic hypogonadism 2 with or without anosmia (HH2). Also called: HYPOGONADOTROPIC HYPOGONADISM 2 WITHOUT ANOSMIA; FGFR1-Related GnRH Deficiency (Kallmann Syndrome 2); HYPOGONADOTROPIC HYPOGONADISM 2 WITH OR WITHOUT ANOSMIA, SUSCEPTIBILITY TO; HYPOGONADOTROPIC HYPOGONADISM 2 WITHOUT ANOSMIA, SUSCEPTIBILITY TO. Identifiers: Orphanet 478, MedGen C1563720, MONDO:0007844, OMIM 147950. Disease mechanism: loss of function.

Submission:

Laboratorio de Genetica e Diagnostico Molecular, Hospital Israelita Albert Einstein
Classification: Likely pathogenic for Hypogonadotropic hypogonadism 2 with or without anosmia. Last evaluated: 2022-08-19. Review status: criteria provided, single submitter. Criteria: ACMG Guidelines, 2015. Collection method: clinical testing. Allele origin: germline. Affected: yes. Observed: 1 variant allele.
Comment: ACMG classification criteria: PVS1 very strong, PM2 moderated

NM_023110.3(FGFR1):c.514A>T (p.Lys172Ter)

Gene: FGFR1 (fibroblast growth factor receptor 1; minus strand). Cytogenetic location: 8p11.23.
Variant type: single nucleotide variant.
Coding change: c.514A>T on transcript NM_023110.3 (MANE Select); coding-DNA position 514, A replaced by T.
Protein change: p.Lys172Ter; replaces lysine 172 with a stop codon.
Molecular consequence: nonsense.
Genome position (GRCh38, 1-based): chr8:38,428,028, T>A on the plus strand (A>T on the coding strand, the complement: FGFR1 is on the minus strand). VCF-style: chr8-38428028-T-A. GRCh37 (hg19) VCF-style: chr8-38285546-T-A.
Other names: c.514A>T, p.Lys172Ter (NM_000604.2, NM_001174063.2); c.490A>T, p.Lys164Ter (NM_001174064.2); c.508A>T, p.Lys170Ter (NM_001174065.2, NM_001354367.2, NM_001354369.2 and 2 more transcripts); c.247A>T, p.Lys83Ter (NM_001174066.2, NM_023105.3); c.607A>T, p.Lys203Ter (NM_001174067.2); c.241A>T, p.Lys81Ter (NM_001354368.2, NM_001354370.2, NM_023106.3); short protein forms K164*, K170*, K172*, K203*, K81*, K83*.
Identifiers: ClinVar variation 2431567 (VCV002431567.1), dbSNP rs2537195567, ClinGen allele CA370735740.